The following is an entry in ClinVar:

ClinVar aggregate classification (germline): Uncertain significance (1 of 4 stars; one submission).

Submission:

GeneDx
Classification: Uncertain significance. Last evaluated: 2023-01-19. Review status: criteria provided, single submitter. Criteria: GeneDx Variant Classification Process June 2021. Collection method: clinical testing. Allele origin: germline. Affected: yes.
Comment: Not observed at significant frequency in large population cohorts (gnomAD); Frameshift variant predicted to result in protein truncation as the last 17 amino acids are replaced with 26 different amino acids, although loss-of-function variants have not been reported downstream of this position in the protein; Has not been previously published as pathogenic or benign to our knowledge

NM_001384910.1(GUCA1A):c.554del (p.Asn185fs)

Genes: GUCA1A (guanylate cyclase activator 1A; plus strand), GUCA1ANB-GUCA1A (GUCA1ANB-GUCA1A readthrough; plus strand). Cytogenetic location: 6p21.1.
Variant type: Deletion.
Coding change: c.554del on transcript NM_001384910.1 (MANE Select); coding-DNA position 554, one base deleted (A; older notation c.554delA).
Protein change: p.Asn185fs; shifts the reading frame from asparagine 185.
Molecular consequence: frameshift variant.
Genome position (GRCh38, 1-based): chr6:42,179,351, A deleted; the last of 2 consecutive A bases (chr6:42,179,350-42,179,351); deleting either gives the same sequence. VCF-style (leftmost placement, unchanged base first): chr6-42179349-GA-G. GRCh37 (hg19) VCF-style: chr6-42147087-GA-G.
Other names: c.554del, p.Asn185fs (NM_000409.5, NM_001319061.2, NM_001319062.2); short protein forms N185fs.
Identifiers: ClinVar variation 2573966 (VCV002573966.1), dbSNP rs755953144, ClinGen allele CA3805439.